The following is an entry in ClinVar:

ClinVar aggregate classification (germline): Uncertain significance (1 of 4 stars; one submission).

Conditions:
Cardiovascular phenotype. Identifiers: MedGen CN230736.

Allele frequency attached by ClinVar (database versions not stated): ExAC 0.00001.

Submission:

Ambry Genetics
Classification: Uncertain significance for Cardiovascular phenotype. Last evaluated: 2022-05-30. Review status: criteria provided, single submitter. Criteria: Ambry Variant Classification Scheme 2023. Collection method: clinical testing. Allele origin: germline.
Comment: The p.A1664V variant (also known as c.4991C>T), located in coding exon 36 of the ABCA1 gene, results from a C to T substitution at nucleotide position 4991. The alanine at codon 1664 is replaced by valine, an amino acid with similar properties. This amino acid position is conserved. In addition, this alteration is predicted to be deleterious by in silico analysis. Since supporting evidence is limited at this time, the clinical significance of this alteration remains unclear.

NM_005502.4(ABCA1):c.4991C>T (p.Ala1664Val)

Gene: ABCA1 (ATP binding cassette subfamily A member 1; minus strand). Cytogenetic location: 9q31.1.
Variant type: single nucleotide variant.
Coding change: c.4991C>T on transcript NM_005502.4 (MANE Select); coding-DNA position 4991, C replaced by T.
Protein change: p.Ala1664Val; replaces alanine 1664 with valine.
Molecular consequence: missense variant.
Genome position (GRCh38, 1-based): chr9:104,798,551, G>A on the plus strand (C>T on the coding strand, the complement: ABCA1 is on the minus strand). VCF-style: chr9-104798551-G-A. GRCh37 (hg19) VCF-style: chr9-107560832-G-A.
Other names: short protein forms A1664V.
Identifiers: ClinVar variation 1744604 (VCV001744604.2), dbSNP rs764504753, ClinGen allele CA5167964.